The following is an entry in ClinVar:

ClinVar aggregate classification (germline): Uncertain significance (1 of 4 stars; one submission).

Conditions:
Ullrich congenital muscular dystrophy 2 (UCMD2). Identifiers: Orphanet 75840, MedGen C4225314, MONDO:0014654, OMIM 616470.
Bethlem myopathy 2 (BTHLM2). Identifiers: Orphanet 536516, Orphanet 610, MedGen C4225313, MONDO:0034022, OMIM 616471.

Submission:

Labcorp Genetics (formerly Invitae), Labcorp
Classification: Uncertain significance for Bethlem myopathy 2; Ullrich congenital muscular dystrophy 2. Last evaluated: 2025-12-31. Review status: criteria provided, single submitter. Criteria: Invitae Variant Classification Sherloc (09022015). Collection method: clinical testing. Allele origin: germline.
Comment: This sequence change replaces methionine, which is neutral and non-polar, with leucine, which is neutral and non-polar, at codon 2850 of the COL12A1 protein (p.Met2850Leu). This variant is not present in population databases (gnomAD no frequency). This variant has not been reported in the literature in individuals affected with COL12A1-related conditions. An algorithm developed to predict the effect of missense changes on protein structure and function (PolyPhen-2) suggests that this variant is likely to be tolerated. In summary, the available evidence is currently insufficient to determine the role of this variant in disease. Therefore, it has been classified as a Variant of Uncertain Significance.

NM_004370.6(COL12A1):c.8548A>T (p.Met2850Leu)

Gene: COL12A1 (collagen type XII alpha 1 chain; minus strand). Cytogenetic location: 6q13.
Variant type: single nucleotide variant.
Coding change: c.8548A>T on transcript NM_004370.6 (MANE Select); coding-DNA position 8548, A replaced by T.
Protein change: p.Met2850Leu; replaces methionine 2850 with leucine.
Molecular consequence: missense variant.
Genome position (GRCh38, 1-based): chr6:75,097,282, T>A on the plus strand (A>T on the coding strand, the complement: COL12A1 is on the minus strand). VCF-style: chr6-75097282-T-A. GRCh37 (hg19) VCF-style: chr6-75806998-T-A.
Other names: c.8548A>T, p.Met2850Leu (NM_001424113.1); c.8527A>T, p.Met2843Leu (NM_001424114.1); c.8275A>T, p.Met2759Leu (NM_001424115.1); c.5056A>T, p.Met1686Leu (NM_001424116.1, NM_080645.3); short protein forms M1686L, M2850L, M2759L, M2843L.
Identifiers: ClinVar variation 4787089 (VCV004787089.1).